The following is an entry in ClinVar:

ClinVar aggregate classification (germline): Uncertain significance (1 of 4 stars; one submission).

Submission:

Labcorp Genetics (formerly Invitae), Labcorp
Classification: Uncertain significance. Last evaluated: 2023-11-17. Review status: criteria provided, single submitter. Criteria: Invitae Variant Classification Sherloc (09022015). Collection method: clinical testing. Allele origin: germline.
Comment: This sequence change affects codon 2021 of the POLE mRNA. It is a 'silent' change, meaning that it does not change the encoded amino acid sequence of the POLE protein. This variant is not present in population databases (gnomAD no frequency). This variant has not been reported in the literature in individuals affected with POLE-related conditions. Algorithms developed to predict the effect of sequence changes on RNA splicing suggest that this variant may disrupt the consensus splice site. In summary, the available evidence is currently insufficient to determine the role of this variant in disease. Therefore, it has been classified as a Variant of Uncertain Significance.

NM_006231.4(POLE):c.6063G>T (p.Gly2021=)

Gene: POLE (DNA polymerase epsilon, catalytic subunit; minus strand). Cytogenetic location: 12q24.33.
Variant type: single nucleotide variant.
Coding change: c.6063G>T on transcript NM_006231.4 (MANE Select); coding-DNA position 6063, G replaced by T.
Protein change: p.Gly2021=; no amino-acid change (glycine 2021 retained).
Molecular consequence: synonymous variant.
Genome position (GRCh38, 1-based): chr12:132,632,737, C>A on the plus strand (G>T on the coding strand, the complement: POLE is on the minus strand). VCF-style: chr12-132632737-C-A. GRCh37 (hg19) VCF-style: chr12-133209323-C-A.
Identifiers: ClinVar variation 2696441 (VCV002696441.3), dbSNP rs1255778142, ClinGen allele CA482848465.
Genomic context (GRCh38, chr12:132,632,737, plus strand): 5'-GACCGCCCCCTCGGCCTCCTGGGAGAGCTGGCTGGCCCCCCTCCTCCTCACGGGGGTGCT[C>A]CCTGGAGCACTGCGCCTCAGCCCGTCCTTCATGCAGTGGTACACGGCCACGATGTACGCT-3'
Protein context (NP_006222.2, residues 2011-2031): MKDGLRRSAP[Gly2021=]STPVRRRGAS